The following is an entry in ClinVar:

ClinVar aggregate classification (germline): Likely benign. Review status: criteria provided, multiple submitters, no conflicts (2 of 4 stars). 3 submissions from 3 submitters: Likely benign (3). Last evaluated 2025-09-22.

Conditions:
Cardiovascular phenotype. Identifiers: MedGen CN230736.
Dilated cardiomyopathy 1DD (CMD1DD). Identifiers: Orphanet 154, MedGen C2750995, MONDO:0013168, OMIM 613172.

Allele frequency attached by ClinVar (database versions not stated): gnomAD 0.00007 and 0.00008; TOPMed 0.00009.
gnomAD v4.1: 17 of 1,551,622 alleles (0.0011%); highest among the groups gnomAD compares: African/African-American, 0.023%; no homozygotes.

Submissions (3):

Labcorp Genetics (formerly Invitae), Labcorp
Classification: Likely benign for Dilated cardiomyopathy 1DD. Last evaluated: 2025-09-22. Review status: criteria provided, single submitter. Criteria: Invitae Variant Classification Sherloc (09022015). Collection method: clinical testing. Allele origin: germline.

Ambry Genetics
Classification: Likely benign for Cardiovascular phenotype. Last evaluated: 2023-01-13. Review status: criteria provided, single submitter. Criteria: Ambry Variant Classification Scheme 2023. Collection method: clinical testing. Allele origin: germline.

Laboratory for Molecular Medicine, Mass General Brigham Personalized Medicine
Classification: Likely benign. Last evaluated: 2018-03-14. Review status: criteria provided, single submitter. Criteria: LMM Criteria. Collection method: clinical testing. Allele origin: germline. Observed: 1 variant allele.
Comment: p.Asp1093Asp in exon 14 of RBM20: This variant is classified as likely benign be cause it does not alter an amino acid residue, is not located within the splice consensus sequence, and splice prediction algorithms do not predict a newly crea ted splice site. This variant has been identified in 2/8730 of African chromosom es by the Genome Aggregation Database (gnomAD; dbSNP rs1003478669). ACMG/AMP Criteria applied: BP4; BP7.

NM_001134363.3(RBM20):c.3279C>T (p.Asp1093=)

Gene: RBM20 (RNA binding motif protein 20; plus strand). Cytogenetic location: 10q25.2.
Variant type: single nucleotide variant.
Coding change: c.3279C>T on transcript NM_001134363.3 (MANE Select); coding-DNA position 3279, C replaced by T.
Protein change: p.Asp1093=; no amino-acid change (aspartic acid 1093 retained).
Molecular consequence: synonymous variant.
Genome position (GRCh38, 1-based): chr10:110,821,898, C>T. VCF-style: chr10-110821898-C-T. GRCh37 (hg19) VCF-style: chr10-112581656-C-T.
Identifiers: ClinVar variation 538045 (VCV000538045.14), dbSNP rs1003478669, ClinGen allele CA213229913.